The following is an entry in ClinVar:

NM_014846.4(WASHC5):c.333-20C>T

Gene: WASHC5 (WASH complex subunit 5; minus strand). Cytogenetic location: 8q24.13.
Variant type: single nucleotide variant.
Coding change: c.333-20C>T on transcript NM_014846.4 (MANE Select); 20 bases into the intron before coding-DNA position 333, C replaced by T.
Molecular consequence: intron variant.
Genome position (GRCh38, 1-based): chr8:125,082,487, G>A on the plus strand (C>T on the coding strand, the complement: WASHC5 is on the minus strand). VCF-style: chr8-125082487-G-A. GRCh37 (hg19) VCF-style: chr8-126094729-G-A.
Other names: c.-112-20C>T (NM_001330609.2).
Identifiers: ClinVar variation 506606 (VCV000506606.2), dbSNP rs116713324, ClinGen allele CA4874155.

ClinVar aggregate classification (germline): Benign. Review status: criteria provided, multiple submitters, no conflicts (2 of 4 stars). 2 submissions from 2 submitters: Benign (2). Last evaluated 2017-05-30.

Allele frequency attached by ClinVar (database versions not stated): gnomAD 0.01016 and 0.01078; TOPMed 0.01211; 1000 Genomes Project 0.01218; 1000 Genomes Project 30x 0.01374; gnomAD exomes 0.00129 and 0.00283; ESP Exome Variant Server 0.00139; ExAC 0.00333.
gnomAD v4.1: 3,014 of 1,237,630 alleles (0.24%); highest among the groups gnomAD compares: African/African-American, 3.5%; 50 homozygotes.

Submissions (2):

GeneDx
Classification: Benign. Last evaluated: 2017-05-30. Review status: criteria provided, single submitter. Criteria: GeneDx Variant Classification (06012015). Collection method: clinical testing. Allele origin: germline. Affected: yes.
Comment: This variant is considered likely benign or benign based on one or more of the following criteria: it is a conservative change, it occurs at a poorly conserved position in the protein, it is predicted to be benign by multiple in silico algorithms, and/or has population frequency not consistent with disease.

Breakthrough Genomics
Classification: Benign. Review status: criteria provided, single submitter. Criteria: ACMG Guidelines, 2015. Collection method: not provided. Allele origin: germline. Inheritance: Autosomal recessive inheritance. Affected: yes.